The following is an entry in ClinVar:

ClinVar aggregate classification (germline): Pathogenic (1 of 4 stars; one submission).

Conditions:
Inborn genetic diseases. Identifiers: MedGen C0950123, MeSH D030342.

Submission:

Ambry Genetics
Classification: Pathogenic for Inborn genetic diseases. Last evaluated: 2026-03-11. Review status: criteria provided, single submitter. Criteria: Ambry Variant Classification Scheme 2023. Collection method: clinical testing. Allele origin: germline.
Comment: The c.3617_3618delTT (p.F1206Cfs*32) alteration, located in exon 20 (coding exon 20) of the DSCAM gene, consists of a deletion of 2 nucleotides from position 3617 to 3618, causing a translational frameshift with a predicted alternate stop codon after 32 amino acids. This variant is expected to result in loss of function by premature protein truncation or nonsense-mediated mRNA decay. This variant was not reported in population-based cohorts in the Genome Aggregation Database (gnomAD). Based on the available evidence, this alteration is classified as pathogenic.

NM_001389.5(DSCAM):c.3617_3618del (p.Phe1206fs)

Gene: DSCAM (DS cell adhesion molecule; minus strand). Cytogenetic location: 21q22.2.
Variant type: Deletion.
Coding change: c.3617_3618del on transcript NM_001389.5 (MANE Select); coding-DNA positions 3617 to 3618, 2 bases deleted (TT; older notation c.3617_3618delTT).
Protein change: p.Phe1206fs; shifts the reading frame from phenylalanine 1206.
Molecular consequence: frameshift variant. On other transcripts: non-coding transcript variant (1).
Genome position (GRCh38, 1-based): chr21:40,124,273-40,124,274, AA deleted on the plus strand (TT on the coding strand, the reverse complement: DSCAM is on the minus strand); deleting any 2 consecutive bases within chr21:40,124,273-40,124,275 gives the same sequence; the c. name uses the placement nearest the transcript's 3' end. VCF-style (leftmost placement, unchanged base first): chr21-40124272-CAA-C. GRCh37 (hg19) VCF-style: chr21-41496199-CAA-C.
Other names: c.3617_3618del, p.Phe1206fs (NM_001271534.3); short protein forms F1206fs.
Identifiers: ClinVar variation 4840129 (VCV004840129.1).
Genomic context (GRCh38, chr21:40,124,272, plus strand): 5'-AGCAGAATACAGTGTACTTTCGGATGATGCCGTTCAGCTTGAGAGGGGGAAGCCAGGACA[CAA>C]AGACCATGGAGGCTGAGGCCGCCGCTGCCTTCACACCCGCGGGAGGACCTGGAACTGGAA-3'